The following is an entry in ClinVar:

NM_177438.3(DICER1):c.1721A>G (p.Glu574Gly)

Gene: DICER1 (dicer 1, ribonuclease III; minus strand). Cytogenetic location: 14q32.13.
Variant type: single nucleotide variant.
Coding change: c.1721A>G on transcript NM_177438.3 (MANE Select); coding-DNA position 1721, A replaced by G.
Protein change: p.Glu574Gly; replaces glutamic acid 574 with glycine.
Molecular consequence: missense variant.
Genome position (GRCh38, 1-based): chr14:95,116,484, T>C on the plus strand (A>G on the coding strand, the complement: DICER1 is on the minus strand). VCF-style: chr14-95116484-T-C. GRCh37 (hg19) VCF-style: chr14-95582821-T-C.
Other names: c.1721A>G, p.Glu574Gly (NM_001195573.1, NM_001271282.3, NM_001291628.2 and 1 more transcripts); short protein forms E574G.
Identifiers: ClinVar variation 844872 (VCV000844872.13), dbSNP rs993582806, ClinGen allele CA265916463.

ClinVar aggregate classification (germline): Uncertain significance. Review status: criteria provided, multiple submitters, no conflicts (2 of 4 stars). 3 submissions from 3 submitters: Uncertain significance (3). Last evaluated 2025-05-15.

Conditions:
DICER1-related tumor predisposition. Also called: DICER1 syndrome; DICER1-related pleuropulmonary blastoma cancer predisposition syndrome. Identifiers: Orphanet 284343, MedGen C3839822, MONDO:0100216.
Hereditary cancer-predisposing syndrome. Also called: Neoplastic Syndromes, Hereditary; Hereditary neoplastic syndrome; Tumor predisposition; Hereditary Cancer Syndrome. Identifiers: Orphanet 140162, MedGen C0027672, MeSH D009386, MONDO:0015356.

Submissions (3):

Labcorp Genetics (formerly Invitae), Labcorp
Classification: Uncertain significance for DICER1-related tumor predisposition. Last evaluated: 2025-05-15. Review status: criteria provided, single submitter. Criteria: Invitae Variant Classification Sherloc (09022015). Collection method: clinical testing. Allele origin: germline.
Comment: This sequence change replaces glutamic acid, which is acidic and polar, with glycine, which is neutral and non-polar, at codon 574 of the DICER1 protein (p.Glu574Gly). This variant is not present in population databases (gnomAD no frequency). This variant has not been reported in the literature in individuals affected with DICER1-related conditions. ClinVar contains an entry for this variant (Variation ID: 844872). Invitae Evidence Modeling of protein sequence and biophysical properties (such as structural, functional, and spatial information, amino acid conservation, physicochemical variation, residue mobility, and thermodynamic stability) indicates that this missense variant is not expected to disrupt DICER1 protein function with a negative predictive value of 95%. In summary, the available evidence is currently insufficient to determine the role of this variant in disease. Therefore, it has been classified as a Variant of Uncertain Significance.

Ambry Genetics
Classification: Uncertain significance for Hereditary cancer-predisposing syndrome. Last evaluated: 2023-09-06. Review status: criteria provided, single submitter. Criteria: Ambry Variant Classification Scheme 2023. Collection method: clinical testing. Allele origin: germline.
Comment: The p.E574G variant (also known as c.1721A>G), located in coding exon 9 of the DICER1 gene, results from an A to G substitution at nucleotide position 1721. The glutamic acid at codon 574 is replaced by glycine, an amino acid with similar properties. This amino acid position is conserved. In addition, this alteration is predicted to be tolerated by in silico analysis. Since supporting evidence is limited at this time, the clinical significance of this alteration remains unclear.

Quest Diagnostics Nichols Institute San Juan Capistrano
Classification: Uncertain significance. Last evaluated: 2021-06-15. Review status: criteria provided, single submitter. Criteria: Quest Diagnostics criteria. Collection method: clinical testing. Allele origin: unknown.